The following is an entry in ClinVar:

NM_003482.4(KMT2D):c.16251A>G (p.Leu5417=)

Gene: KMT2D (lysine methyltransferase 2D; minus strand). Cytogenetic location: 12q13.12.
Variant type: single nucleotide variant.
Coding change: c.16251A>G on transcript NM_003482.4 (MANE Select); coding-DNA position 16251, A replaced by G.
Protein change: p.Leu5417=; no amino-acid change (leucine 5417 retained).
Molecular consequence: synonymous variant.
Genome position (GRCh38, 1-based): chr12:49,022,677, T>C on the plus strand (A>G on the coding strand, the complement: KMT2D is on the minus strand). VCF-style: chr12-49022677-T-C. GRCh37 (hg19) VCF-style: chr12-49416460-T-C.
Identifiers: ClinVar variation 2175281 (VCV002175281.30), dbSNP rs760580783, ClinGen allele CA6545407.

ClinVar aggregate classification (germline): Likely benign. Review status: criteria provided, multiple submitters, no conflicts (2 of 4 stars). 4 submissions from 4 submitters: Likely benign (4). Last evaluated 2026-04-06.

Conditions:
Kabuki syndrome. Also called: NIIKAWA-KUROKI SYNDROME; Kabuki make-up syndrome. Identifiers: Orphanet 2322, MedGen C0796004, MONDO:0016512.
Inborn genetic diseases. Identifiers: MedGen C0950123, MeSH D030342.

Allele frequency attached by ClinVar (database versions not stated): ExAC 0.00001; gnomAD exomes 0.00001; gnomAD 0.00002; TOPMed 0.00002.
gnomAD v4.1: 21 of 1,613,916 alleles (0.0013%); highest among the groups gnomAD compares: Non-Finnish European, 0.0015%; no homozygotes.

Submissions (4):

Ambry Genetics
Classification: Likely benign for Inborn genetic diseases. Last evaluated: 2026-04-06. Review status: criteria provided, single submitter. Criteria: Ambry Variant Classification Scheme 2023. Collection method: clinical testing. Allele origin: germline.

Labcorp Genetics (formerly Invitae), Labcorp
Classification: Likely benign for Kabuki syndrome. Last evaluated: 2025-06-16. Review status: criteria provided, single submitter. Criteria: Invitae Variant Classification Sherloc (09022015). Collection method: clinical testing. Allele origin: germline.

Blueprint Genetics
Classification: Likely benign. Last evaluated: 2023-05-03. Review status: criteria provided, single submitter. Criteria: ACMG Guidelines, 2015. Collection method: clinical testing. Allele origin: germline.

CeGaT Center for Human Genetics Tuebingen
Classification: Likely benign. Last evaluated: 2023-02-01. Review status: criteria provided, single submitter. Criteria: CeGaT Center For Human Genetics Tuebingen Variant Classification Criteria Version 2. Collection method: clinical testing. Allele origin: germline. Affected: yes. Observed: 1 variant allele.
Comment: KMT2D: BP4, BP7